The following is an entry in ClinVar:

NM_018068.5(PIWIL2):c.1844T>A (p.Met615Lys)

Gene: PIWIL2 (piwi like RNA-mediated gene silencing 2; plus strand). Cytogenetic location: 8p21.3.
Variant type: single nucleotide variant.
Coding change: c.1844T>A on transcript NM_018068.5 (MANE Select); coding-DNA position 1844, T replaced by A.
Protein change: p.Met615Lys; replaces methionine 615 with lysine.
Molecular consequence: missense variant.
Genome position (GRCh38, 1-based): chr8:22,311,155, T>A. VCF-style: chr8-22311155-T-A. GRCh37 (hg19) VCF-style: chr8-22168668-T-A.
Other names: c.1844T>A (NM_001135721.1); c.1844T>A, p.Met615Lys (NM_001135721.3, NM_001330480.2); short protein forms M615K.
Identifiers: ClinVar variation 3388386 (VCV003388386.14).

ClinVar aggregate classification (germline): Conflicting classifications of pathogenicity. Review status: criteria provided, conflicting classifications (1 of 4 stars). 2 submissions from 2 submitters: Uncertain significance (1); Likely benign (1). Last evaluated 2025-12-02.

gnomAD v4.1: 4,254 of 1,614,064 alleles (0.26%); highest among the groups gnomAD compares: Non-Finnish European, 0.33%; 8 homozygotes.

Submissions (2):

Ambry Genetics
Classification: Uncertain significance. Last evaluated: 2025-12-02. Review status: criteria provided, single submitter. Criteria: Ambry Variant Classification Scheme 2023. Collection method: clinical testing. Allele origin: germline.

CeGaT Center for Human Genetics Tuebingen
Classification: Likely benign. Last evaluated: 2024-09-01. Review status: criteria provided, single submitter. Criteria: CeGaT Center For Human Genetics Tuebingen Variant Classification Criteria Version 2. Collection method: clinical testing. Allele origin: germline. Affected: yes. Observed: 1 variant allele.
Comment: PIWIL2: BP4, BS2